The following is an entry in ClinVar:

NM_005573.4(LMNB1):c.672A>G (p.Glu224=)

Gene: LMNB1 (lamin B1; plus strand). Cytogenetic location: 5q23.2.
Variant type: single nucleotide variant.
Coding change: c.672A>G on transcript NM_005573.4 (MANE Select); coding-DNA position 672, A replaced by G.
Protein change: p.Glu224=; no amino-acid change (glutamic acid 224 retained).
Molecular consequence: synonymous variant. On other transcripts: non-coding transcript variant (1).
Genome position (GRCh38, 1-based): chr5:126,810,209, A>G. VCF-style: chr5-126810209-A-G. GRCh37 (hg19) VCF-style: chr5-126145901-A-G.
Other names: c.42A>G, p.Glu14= (NM_001198557.2).
Identifiers: ClinVar variation 350614 (VCV000350614.19), dbSNP rs372510778, ClinGen allele CA3390528.

ClinVar aggregate classification (germline): Likely benign. Review status: criteria provided, multiple submitters, no conflicts (2 of 4 stars). 2 submissions from 2 submitters: Likely benign (2). Last evaluated 2025-11-01.

Conditions:
Adult-onset autosomal dominant demyelinating leukodystrophy. Identifiers: Orphanet 99027, MedGen C1868512, MONDO:0008215.

Allele frequency attached by ClinVar (database versions not stated): gnomAD exomes 0.00001; ExAC 0.00002; gnomAD 0.00003; TOPMed 0.00003; ESP Exome Variant Server 0.00008.
gnomAD v4.1: 23 of 1,613,078 alleles (0.0014%); highest among the groups gnomAD compares: Non-Finnish European, 0.0018%; no homozygotes.

Submissions (2):

CeGaT Center for Human Genetics Tuebingen
Classification: Likely benign. Last evaluated: 2025-11-01. Review status: criteria provided, single submitter. Criteria: CeGaT Center For Human Genetics Tuebingen Variant Classification Criteria Version 2. Collection method: clinical testing. Allele origin: germline. Affected: yes. Observed: 2 variant alleles.
Comment: LMNB1: BP4, BP7

Illumina Laboratory Services, Illumina
Classification: Likely benign for Leukodystrophy, demyelinating, adult-onset, autosomal dominant, typical. Last evaluated: 2018-01-12. Review status: criteria provided, single submitter. Criteria: ICSL Variant Classification Criteria 13 December 2019. Collection method: clinical testing. Allele origin: germline.
Comment: This variant was observed in the ICSL laboratory as part of a predisposition screen in an ostensibly healthy population. It had not been previously curated by ICSL or reported in the Human Gene Mutation Database (HGMD: prior to June 1st, 2018), and was therefore a candidate for classification through an automated scoring system. Utilizing variant allele frequency, disease prevalence and penetrance estimates, and inheritance mode, an automated score was calculated to assess if this variant is too frequent to cause the disease. Based on the score and internal cut-off values, a variant classified as likely benign is not then subjected to further curation. The score for this variant resulted in a classification of likely benign for this disease.